The following is an entry in ClinVar:

ClinVar aggregate classification (germline): Benign/Likely benign. Review status: criteria provided, multiple submitters, no conflicts (2 of 4 stars). 3 submissions from 3 submitters: Benign (1); Likely benign (2). Last evaluated 2025-05-02.

Conditions:
Tuberous sclerosis 2 (TSC2). Identifiers: Orphanet 805, MedGen C1860707, MONDO:0013199, OMIM 613254.
Hereditary cancer-predisposing syndrome. Also called: Tumor predisposition; Hereditary Cancer Syndrome; Hereditary neoplastic syndrome; Neoplastic Syndromes, Hereditary. Identifiers: Orphanet 140162, MedGen C0027672, MeSH D009386, MONDO:0015356.

Submissions (3):

Myriad Genetics, Inc.
Classification: Benign for Tuberous sclerosis 2. Last evaluated: 2025-05-02. Review status: criteria provided, single submitter. Criteria: Myriad Autosomal Dominant, Autosomal Recessive and X-Linked Classification Criteria (2023). Collection method: clinical testing. Allele origin: unknown.
Comment: This variant is considered benign. This variant is a silent/synonymous amino acid change and it is not expected to impact splicing.

Ambry Genetics
Classification: Likely benign for Hereditary cancer-predisposing syndrome. Last evaluated: 2025-03-14. Review status: criteria provided, single submitter. Criteria: Ambry Variant Classification Scheme 2023. Collection method: clinical testing. Allele origin: germline.

Labcorp Genetics (formerly Invitae), Labcorp
Classification: Likely benign for Tuberous sclerosis 2. Last evaluated: 2021-09-14. Review status: criteria provided, single submitter. Criteria: Invitae Variant Classification Sherloc (09022015). Collection method: clinical testing. Allele origin: germline.

NM_000548.5(TSC2):c.294G>C (p.Arg98=)

Gene: TSC2 (TSC complex subunit 2; plus strand). Cytogenetic location: 16p13.3.
Variant type: single nucleotide variant.
Coding change: c.294G>C on transcript NM_000548.5 (MANE Select); coding-DNA position 294, G replaced by C.
Protein change: p.Arg98=; no amino-acid change (arginine 98 retained).
Molecular consequence: synonymous variant. On other transcripts: intron variant (2).
Genome position (GRCh38, 1-based): chr16:2,053,410, G>C. VCF-style: chr16-2053410-G-C. GRCh37 (hg19) VCF-style: chr16-2103411-G-C.
Other names: c.294G>C (NM_000548.3); c.294G>C, p.Arg98= (NM_001077183.3, NM_001114382.3, NM_001363528.2 and 3 more transcripts); c.147G>C, p.Arg49= (NM_001318829.2); c.327G>C, p.Arg109= (NM_001318832.2); c.226-886G>C (NM_001318827.2); c.-1-2786G>C (NM_001318831.2).
Identifiers: ClinVar variation 1543372 (VCV001543372.10), dbSNP rs2085370771, ClinGen allele CA492955238.